The following is an entry in ClinVar:

NM_000059.4(BRCA2):c.3995A>G (p.His1332Arg)

Gene: BRCA2 (BRCA2 DNA repair associated; plus strand). Cytogenetic location: 13q13.1.
Variant type: single nucleotide variant.
Coding change: c.3995A>G on transcript NM_000059.4 (MANE Select); coding-DNA position 3995, A replaced by G.
Protein change: p.His1332Arg; replaces histidine 1332 with arginine.
Molecular consequence: missense variant.
Genome position (GRCh38, 1-based): chr13:32,338,350, A>G. VCF-style: chr13-32338350-A-G. GRCh37 (hg19) VCF-style: chr13-32912487-A-G.
Other names: short protein forms H1332R.
Identifiers: ClinVar variation 91811 (VCV000091811.23), dbSNP rs398122774, ClinGen allele CA019343.

ClinVar aggregate classification (germline): Conflicting classifications of pathogenicity. Review status: criteria provided, conflicting classifications (1 of 4 stars). 6 submissions from 6 submitters: Uncertain significance (3); Likely benign (2). 1 of the submissions does not count toward it. Last evaluated 2025-03-05.

Conditions:
Hereditary breast ovarian cancer syndrome. Also called: Hereditary breast and ovarian cancer syndrome; Hereditary breast and/or ovarian cancer syndrome; Hereditary breast and ovarian cancer; Hereditary breast and ovarian cancer syndrome (HBOC); Breast and ovarian cancer; BRCA1- and BRCA2-Associated Hereditary Breast and Ovarian Cancer. Identifiers: Orphanet 145, MedGen C0677776, MeSH D061325, MONDO:0003582. Disease mechanism: loss of function.
Hereditary cancer-predisposing syndrome. Also called: Neoplastic Syndromes, Hereditary; Hereditary Cancer Syndrome; Tumor predisposition; Hereditary neoplastic syndrome. Identifiers: Orphanet 140162, MedGen C0027672, MeSH D009386, MONDO:0015356.
Breast-ovarian cancer, familial, susceptibility to, 2 (BROVCA2). Also called: BRCA2 Hereditary Breast and Ovarian Cancer. Identifiers: Orphanet 145, MedGen C2675520, MONDO:0012933, OMIM 612555. Disease mechanism: loss of function.

Allele frequency attached by ClinVar (database versions not stated): gnomAD exomes below 0.00001.
gnomAD v4.1: 2 of 1,585,794 alleles (0.00013%); highest among the groups gnomAD compares: Non-Finnish European, 0.00017%; no homozygotes.

Submissions (6):

Labcorp Genetics (formerly Invitae), Labcorp
Classification: Uncertain significance for Hereditary breast ovarian cancer syndrome. Last evaluated: 2025-03-05. Review status: criteria provided, single submitter. Criteria: Invitae Variant Classification Sherloc (09022015). Collection method: clinical testing. Allele origin: germline.
Comment: This sequence change replaces histidine, which is basic and polar, with arginine, which is basic and polar, at codon 1332 of the BRCA2 protein (p.His1332Arg). This variant is present in population databases (rs398122774, gnomAD 0.001%). This variant has not been reported in the literature in individuals affected with BRCA2-related conditions. ClinVar contains an entry for this variant (Variation ID: 91811). Invitae Evidence Modeling of protein sequence and biophysical properties (such as structural, functional, and spatial information, amino acid conservation, physicochemical variation, residue mobility, and thermodynamic stability) indicates that this missense variant is not expected to disrupt BRCA2 protein function with a negative predictive value of 95%. RNA analysis performed to evaluate the impact of this missense change on mRNA splicing indicates it does not significantly alter splicing (internal data). In summary, the available evidence is currently insufficient to determine the role of this variant in disease. Therefore, it has been classified as a Variant of Uncertain Significance.

Ambry Genetics
Classification: Likely benign for Hereditary cancer-predisposing syndrome. Last evaluated: 2024-02-02. Review status: criteria provided, single submitter. Criteria: Ambry Variant Classification Scheme 2023. Collection method: clinical testing. Allele origin: germline.

Blueprint Genetics
Classification: Uncertain significance. Last evaluated: 2023-12-04. Review status: criteria provided, single submitter. Criteria: ACMG Guidelines, 2015. Collection method: clinical testing. Allele origin: germline.

University of Washington Department of Laboratory Medicine, University of Washington
Classification: Likely benign for Hereditary cancer-predisposing syndrome. Last evaluated: 2023-03-23. Review status: criteria provided, single submitter. Criteria: Dines et al. (Genet Med. 2020). Collection method: curation. Allele origin: germline.
Comment: Missense variant in a coldspot region where missense variants are very unlikely to be pathogenic (PMID:31911673).

BRCA2 exon 11 coldspot. Reclassification based on statistical prior probability.

Color Diagnostics, LLC DBA Color Health
Classification: Uncertain significance for Hereditary cancer-predisposing syndrome. Last evaluated: 2023-01-03. Review status: criteria provided, single submitter. Criteria: ACMG Guidelines, 2015. Collection method: clinical testing. Allele origin: germline.
Comment: This missense variant replaces histidine with arginine at codon 1332 of the BRCA2 protein. Computational prediction suggests that this variant may not impact protein structure and function (internally defined REVEL score threshold <= 0.5, PMID: 27666373). To our knowledge, functional studies have not been reported for this variant. This variant has not been reported in individuals affected with BRCA2-related disorders in the literature. This variant has been identified in 1/228162 chromosomes in the general population by the Genome Aggregation Database (gnomAD). The available evidence is insufficient to determine the role of this variant in disease conclusively. Therefore, this variant is classified as a Variant of Uncertain Significance.

Sharing Clinical Reports Project (SCRP)
Classification: Uncertain significance for Breast-ovarian cancer, familial 2. Last evaluated: 2007-09-25. Review status: no assertion criteria provided. Collection method: clinical testing. Allele origin: germline. Not counted in ClinVar's aggregate classification.